The following is an entry in ClinVar:

ClinVar aggregate classification (germline): Uncertain significance. Review status: criteria provided, multiple submitters, no conflicts (2 of 4 stars). 2 submissions from 2 submitters: Uncertain significance (2). Last evaluated 2024-05-23.

Submissions (2):

GeneDx
Classification: Uncertain significance. Last evaluated: 2024-05-23. Review status: criteria provided, single submitter. Criteria: GeneDx Variant Classification Process June 2021. Collection method: clinical testing. Allele origin: germline. Affected: yes.
Comment: Not observed at significant frequency in large population cohorts (gnomAD); Frameshift variant predicted to result in abnormal protein length as the last 63 amino acids are replaced with 9 different amino acids; Has not been previously published as pathogenic or benign to our knowledge

Labcorp Genetics (formerly Invitae), Labcorp
Classification: Uncertain significance. Last evaluated: 2024-02-15. Review status: criteria provided, single submitter. Criteria: Invitae Variant Classification Sherloc (09022015). Collection method: clinical testing. Allele origin: germline.
Comment: This sequence change creates a premature translational stop signal (p.Ser1574Profs*10) in the PTPN23 gene. While this is not anticipated to result in nonsense mediated decay, it is expected to disrupt the last 63 amino acid(s) of the PTPN23 protein. The frequency data for this variant in the population databases is considered unreliable, as metrics indicate poor data quality at this position in the gnomAD database. This variant has not been reported in the literature in individuals affected with PTPN23-related conditions. ClinVar contains an entry for this variant (Variation ID: 1406993). Experimental studies and prediction algorithms are not available or were not evaluated, and the functional significance of this variant is currently unknown. In summary, the available evidence is currently insufficient to determine the role of this variant in disease. Therefore, it has been classified as a Variant of Uncertain Significance.

NM_015466.4(PTPN23):c.4719del (p.Ser1574fs)

Gene: PTPN23 (protein tyrosine phosphatase non-receptor type 23; plus strand). Cytogenetic location: 3p21.31.
Variant type: Deletion.
Coding change: c.4719del on transcript NM_015466.4 (MANE Select); coding-DNA position 4719, one base deleted (C; older notation c.4719delC).
Protein change: p.Ser1574fs; shifts the reading frame from serine 1574.
Molecular consequence: frameshift variant.
Genome position (GRCh38, 1-based): chr3:47,412,993, C deleted; the last of 6 consecutive C bases (chr3:47,412,988-47,412,993); deleting any one gives the same sequence. VCF-style (leftmost placement, unchanged base first): chr3-47412987-GC-G. GRCh37 (hg19) VCF-style: chr3-47454477-GC-G.
Other names: c.4341del, p.Ser1448fs (NM_001304482.2); c.4719del (NM_015466.2); short protein forms S1574fs, S1448fs.
Identifiers: ClinVar variation 1406993 (VCV001406993.7), dbSNP rs746622737, ClinGen allele CA352568443.
Genomic context (GRCh38, chr3:47,412,987, plus strand): 5'-ACTACCTGAGGCTCCCCAGCCTAAGGAGGAGCCGCCAGTGCCTGAAGCCCCCAGCTCGGG[GC>G]CCCCCTCCTCCTCCCTGGAATTGCTGGCCTCCTTGACCCCAGAGGCCTTCTCCCTGGACA-3'